The following is an entry in ClinVar:

ClinVar aggregate classification (germline): Uncertain significance. Review status: criteria provided, multiple submitters, no conflicts (2 of 4 stars). 2 submissions from 2 submitters: Uncertain significance (2). Last evaluated 2025-02-23.

Conditions:
Inborn genetic diseases. Identifiers: MedGen C0950123, MeSH D030342.

Allele frequency attached by ClinVar (database versions not stated): TOPMed 0.00001; gnomAD 0.00002; gnomAD exomes 0.00004.
gnomAD v4.1: 58 of 1,571,290 alleles (0.0037%); highest among the groups gnomAD compares: Non-Finnish European, 0.0047%; no homozygotes.

Submissions (2):

Labcorp Genetics (formerly Invitae), Labcorp
Classification: Uncertain significance. Last evaluated: 2025-02-23. Review status: criteria provided, single submitter. Criteria: Invitae Variant Classification Sherloc (09022015). Collection method: clinical testing. Allele origin: germline.
Comment: This sequence change replaces glutamic acid, which is acidic and polar, with lysine, which is basic and polar, at codon 583 of the HR protein (p.Glu583Lys). This variant is present in population databases (rs748342044, gnomAD 0.003%). This variant has not been reported in the literature in individuals affected with HR-related conditions. ClinVar contains an entry for this variant (Variation ID: 1934403). An algorithm developed to predict the effect of missense changes on protein structure and function (PolyPhen-2) suggests that this variant is likely to be disruptive. In summary, the available evidence is currently insufficient to determine the role of this variant in disease. Therefore, it has been classified as a Variant of Uncertain Significance.

Ambry Genetics
Classification: Uncertain significance for Inborn genetic diseases. Last evaluated: 2025-02-01. Review status: criteria provided, single submitter. Criteria: Ambry Variant Classification Scheme 2023. Collection method: clinical testing. Allele origin: germline.

NM_005144.5(HR):c.1747G>A (p.Glu583Lys)

Gene: HR (HR lysine demethylase and nuclear receptor corepressor; minus strand). Cytogenetic location: 8p21.3.
Variant type: single nucleotide variant.
Coding change: c.1747G>A on transcript NM_005144.5 (MANE Select); coding-DNA position 1747, G replaced by A.
Protein change: p.Glu583Lys; replaces glutamic acid 583 with lysine.
Molecular consequence: missense variant.
Genome position (GRCh38, 1-based): chr8:22,125,314, C>T on the plus strand (G>A on the coding strand, the complement: HR is on the minus strand). VCF-style: chr8-22125314-C-T. GRCh37 (hg19) VCF-style: chr8-21982827-C-T.
Other names: c.1747G>A, p.Glu583Lys (NM_018411.4); c.1747G>A (NM_005144.4); short protein forms E583K.
Identifiers: ClinVar variation 1934403 (VCV001934403.6), dbSNP rs748342044, ClinGen allele CA4662369.